The following is an entry in ClinVar:

NM_002076.4(GNS):c.1568T>G (p.Val523Gly)

Gene: GNS (glucosamine (N-acetyl)-6-sulfatase; minus strand). Cytogenetic location: 12q14.3.
Variant type: single nucleotide variant.
Coding change: c.1568T>G on transcript NM_002076.4 (MANE Select); coding-DNA position 1568, T replaced by G.
Protein change: p.Val523Gly; replaces valine 523 with glycine.
Molecular consequence: missense variant.
Genome position (GRCh38, 1-based): chr12:64,720,034, A>C on the plus strand (T>G on the coding strand, the complement: GNS is on the minus strand). VCF-style: chr12-64720034-A-C. GRCh37 (hg19) VCF-style: chr12-65113814-A-C.
Other names: short protein forms V523G.
Identifiers: ClinVar variation 4711743 (VCV004711743.1).

ClinVar aggregate classification (germline): Uncertain significance (1 of 4 stars; one submission).

Conditions:
Mucopolysaccharidosis, MPS-III-D (MPS3D). Also called: N-ACETYLGLUCOSAMINE-6-SULFATASE DEFICIENCY; SANFILIPPO SYNDROME D; MPS III D; Mucopoly-saccharidosis type 3D; N-acetylglucosamine-6-sulfate sulfatase deficiency; MPS 3D. Identifiers: Orphanet 581, Orphanet 79272, MedGen C0086650, MONDO:0009658, OMIM 252940.

Submission:

Labcorp Genetics (formerly Invitae), Labcorp
Classification: Uncertain significance for Mucopolysaccharidosis, MPS-III-D. Last evaluated: 2025-08-20. Review status: criteria provided, single submitter. Criteria: Invitae Variant Classification Sherloc (09022015). Collection method: clinical testing. Allele origin: germline.
Comment: This sequence change replaces valine, which is neutral and non-polar, with glycine, which is neutral and non-polar, at codon 523 of the GNS protein (p.Val523Gly). This variant is not present in population databases (gnomAD no frequency). This variant has not been reported in the literature in individuals affected with GNS-related conditions. An algorithm developed to predict the effect of missense changes on protein structure and function (PolyPhen-2) suggests that this variant is likely to be tolerated. In summary, the available evidence is currently insufficient to determine the role of this variant in disease. Therefore, it has been classified as a Variant of Uncertain Significance.